The following is an entry in ClinVar:

ClinVar aggregate classification (germline): Conflicting classifications of pathogenicity. Review status: criteria provided, conflicting classifications (1 of 4 stars). 5 submissions from 5 submitters: Likely pathogenic (2); Uncertain significance (3). Last evaluated 2026-09-11.

Conditions:
POLG-related disorder. Also called: POLG-Related Spectrum Disorders; POLG-related condition; POLG-Related Disorders. Identifiers: MedGen C4763519.
Progressive sclerosing poliodystrophy (MTDPS4A). Also called: Alpers Syndrome; Mitochondrial DNA depletion syndrome 4A (Alpers type); Mitochondrial DNA Depletion Syndrome 4A; Alpers-Huttenlocher Syndrome (AHS); ALPERS PROGRESSIVE INFANTILE POLIODYSTROPHY; ALPERS DIFFUSE DEGENERATION OF CEREBRAL GRAY MATTER WITH HEPATIC CIRRHOSIS. Identifiers: Orphanet 726, MedGen C0205710, MONDO:0008758, OMIM 203700.

Allele frequency attached by ClinVar (database versions not stated): gnomAD exomes 0.00001.
gnomAD v4.1: 10 of 1,614,134 alleles (0.00062%); highest among the groups gnomAD compares: Non-Finnish European, 0.00085%; no homozygotes.

Submissions (5):

GeneDx
Classification: Likely pathogenic. Last evaluated: 2026-09-11. Review status: criteria provided, single submitter. Criteria: GeneDx Variant Classification Process June 2021. Collection method: clinical testing. Allele origin: germline.
Comment: Not observed at significant frequency in large population cohorts (gnomAD); In silico analysis supports that this missense variant has a deleterious effect on protein structure/function; This variant is associated with the following publications: (PMID: 21880868, 28480171)

Labcorp Genetics (formerly Invitae), Labcorp
Classification: Uncertain significance for Progressive sclerosing poliodystrophy. Last evaluated: 2023-11-14. Review status: criteria provided, single submitter. Criteria: Invitae Variant Classification Sherloc (09022015). Collection method: clinical testing. Allele origin: germline.
Comment: This sequence change replaces cysteine, which is neutral and slightly polar, with glycine, which is neutral and non-polar, at codon 1077 of the POLG protein (p.Cys1077Gly). This variant is not present in population databases (gnomAD no frequency). This missense change has been observed in individual(s) with autosomal recessive POLG-related conditions (PMID: 21880868). ClinVar contains an entry for this variant (Variation ID: 619336). Advanced modeling of protein sequence and biophysical properties (such as structural, functional, and spatial information, amino acid conservation, physicochemical variation, residue mobility, and thermodynamic stability) performed at Invitae indicates that this missense variant is expected to disrupt POLG protein function with a positive predictive value of 95%. In summary, the available evidence is currently insufficient to determine the role of this variant in disease. Therefore, it has been classified as a Variant of Uncertain Significance.

Blueprint Genetics
Classification: Uncertain significance. Last evaluated: 2021-08-24. Review status: criteria provided, single submitter. Criteria: ACMG Guidelines, 2015. Collection method: clinical testing. Allele origin: germline.

Wong Mito Lab, Molecular and Human Genetics, Baylor College of Medicine
Classification: Likely pathogenic for Progressive sclerosing poliodystrophy. Last evaluated: 2018-10-01. Review status: criteria provided, single submitter. Criteria: ACMG Guidelines, 2015. Collection method: clinical testing. Allele origin: germline.
Comment: The NM_002693.2:c.3229T>G (NP_002684.1:p.Cys1077Gly) [GRCH38: NC_000015.10:g.89318975A>C] variant in POLG gene is interpretated to be a Likely Pathogenic based on ACMG guidelines (PMID: 25741868). This variant meets the following evidence codes reported in the ACMG-guideline. PM2:This variant is absent in key population databases. PM3:Detected in trans with a pathogenic variant for Mitochondrial DNA depletion syndrome 4A (Alpers type) which is a recessive disorder. PP1:This variant is co-segregated with Mitochondrial DNA depletion syndrome 4A (Alpers type) in multiple affected family members. PP2:This is a missense variant in POLG with a low rate of benign and high rate of pathogenic missense variations. PP3:Computational evidence/predictors indicate the variant has deleterious effect on POLG structure, function, or protein-protein interaction. PP4:Patient's phenotype or family history is highly specific for POLG. Based on the evidence criteria codes applied, the variant is suggested to be Likely Pathogenic.

Illumina Laboratory Services, Illumina
Classification: Uncertain significance for POLG-Related Spectrum Disorders. Last evaluated: 2017-04-27. Review status: criteria provided, single submitter. Criteria: ICSL Variant Classification Criteria 13 December 2019. Collection method: clinical testing. Allele origin: germline.

Literature cited by the submitters: PubMed 21880868 (cited by Labcorp Genetics (formerly Invitae), Labcorp).

NM_002693.3(POLG):c.3229T>G (p.Cys1077Gly)

Gene: POLG (DNA polymerase gamma, catalytic subunit; minus strand). Cytogenetic location: 15q26.1.
Variant type: single nucleotide variant.
Coding change: c.3229T>G on transcript NM_002693.3 (MANE Select); coding-DNA position 3229, T replaced by G.
Protein change: p.Cys1077Gly; replaces cysteine 1077 with glycine.
Molecular consequence: missense variant.
Genome position (GRCh38, 1-based): chr15:89,318,975, A>C on the plus strand (T>G on the coding strand, the complement: POLG is on the minus strand). VCF-style: chr15-89318975-A-C. GRCh37 (hg19) VCF-style: chr15-89862206-A-C.
Other names: c.3229T>G, p.Cys1077Gly (NM_001126131.2); short protein forms C1077G.
Identifiers: ClinVar variation 619336 (VCV000619336.11), dbSNP rs1567185468, ClinGen allele CA10602262.